The following is an entry in ClinVar:

NM_015080.4(NRXN2):c.1124A>T (p.Asp375Val)

Gene: NRXN2 (neurexin 2; minus strand). Cytogenetic location: 11q13.1.
Variant type: single nucleotide variant.
Coding change: c.1124A>T on transcript NM_015080.4 (MANE Select); coding-DNA position 1124, A replaced by T.
Protein change: p.Asp375Val; replaces aspartic acid 375 with valine.
Molecular consequence: missense variant.
Genome position (GRCh38, 1-based): chr11:64,685,674, T>A on the plus strand (A>T on the coding strand, the complement: NRXN2 is on the minus strand). VCF-style: chr11-64685674-T-A. GRCh37 (hg19) VCF-style: chr11-64453146-T-A.
Other names: c.1124A>T, p.Asp375Val (NM_001376262.1, NM_001376263.1, NM_001376265.1 and 1 more transcripts); c.1121A>T, p.Asp374Val (NM_001376266.1); c.1052A>T, p.Asp351Val (NM_138732.3); short protein forms D375V, D351V, D374V.
Identifiers: ClinVar variation 4995273 (VCV004995273.1).
Genomic context (GRCh38, chr11:64,685,674, plus strand): 5'-CTAATCCCTGGCCTTCTTCTCACTCCTCCTACCTGGCGCAGGTTTCGGGTGACCCGGACG[T>A]CGTGCCAGGCGTTGTCGTTGAACTTGCCATTGACGGGTTCCACAAGGGCCTCGAAGGCAC-3'
Protein context (NP_055895.1, residues 365-385): NGKFNDNAWH[Asp375Val]VRVTRNLRQH

ClinVar aggregate classification (germline): Uncertain significance (1 of 4 stars; one submission).

Conditions:
NRXN2-related disorder. Also called: NRXN2-related condition.

Submission:

PreventionGenetics, part of Exact Sciences
Classification: Uncertain significance for NRXN2-related condition. Last evaluated: 2026-06-26. Review status: criteria provided, single submitter. Criteria: ACMG Guidelines, 2015. Collection method: clinical testing. Allele origin: germline.
Comment: The NRXN2 c.1124A>T variant is predicted to result in the amino acid substitution p.Asp375Val. To our knowledge, this variant has not been reported in the literature or in a large population database (gnomAD), indicating this variant is rare. At this time, the clinical significance of this variant is uncertain due to the absence of conclusive functional and genetic evidence.